The following is an entry in ClinVar:

NM_000090.4(COL3A1):c.359del (p.Asn120fs)

Gene: COL3A1 (collagen type III alpha 1 chain; plus strand). Cytogenetic location: 2q32.2.
Variant type: Deletion.
Coding change: c.359del on transcript NM_000090.4 (MANE Select); coding-DNA position 359, one base deleted (A; older notation c.359delA).
Protein change: p.Asn120fs; shifts the reading frame from asparagine 120.
Molecular consequence: frameshift variant.
Genome position (GRCh38, 1-based): chr2:188,985,690, A deleted; the last of 3 consecutive A bases (chr2:188,985,688-188,985,690); deleting any one gives the same sequence. VCF-style (leftmost placement, unchanged base first): chr2-188985687-GA-G. GRCh37 (hg19) VCF-style: chr2-189850413-GA-G.
Other names: c.359delA (NM_000090.4); short protein forms N120fs.
Identifiers: ClinVar variation 4687503 (VCV004687503.1).

ClinVar aggregate classification (germline): Pathogenic (1 of 4 stars; one submission).

Conditions:
Polymicrogyria with or without vascular-type Ehlers-Danlos syndrome. Identifiers: Orphanet 636941, MedGen C5193040, MONDO:0032688, OMIM 618343.

Submission:

Women's Health and Genetics/Laboratory Corporation of America, LabCorp
Classification: Pathogenic for Polymicrogyria with or without vascular-type Ehlers-Danlos syndrome. Last evaluated: 2025-10-07. Review status: criteria provided, single submitter. Criteria: LabCorp Variant Classification Summary - May 2015. Collection method: clinical testing. Allele origin: germline.
Comment: Variant summary: COL3A1 c.359delA (p.Asn120MetfsX45) results in a premature termination codon, predicted to cause absence of the protein due to nonsense mediated decay, which is a commonly known mechanism for disease. The variant was absent in 249758 control chromosomes (gnomAD). To our knowledge, no occurrence of c.359delA in individuals affected with COL3A1-related conditions and no experimental evidence demonstrating its impact on protein function have been reported. No submitters have cited clinical-significance assessments for this variant to ClinVar. Based on the evidence outlined above, the variant was classified as pathogenic.